The following is an entry in ClinVar:

ClinVar aggregate classification (germline): Pathogenic (1 of 4 stars; one submission).

Submission:

GeneDx
Classification: Pathogenic. Last evaluated: 2025-07-19. Review status: criteria provided, single submitter. Criteria: GeneDx Variant Classification Process June 2021. Collection method: clinical testing. Allele origin: germline. Affected: yes.
Comment: Observed in patient with intractable childhood epilepsy in published literature (PMID: 23195492); Frameshift variant predicted to result in protein truncation or nonsense mediated decay in a gene for which loss of function is a known mechanism of disease; Not observed at significant frequency in large population cohorts (gnomAD); This variant is associated with the following publications: (PMID: 38785537, 23195492)

NM_001165963.4(SCN1A):c.4539del (p.Lys1513fs)

Genes: SCN1A (sodium voltage-gated channel alpha subunit 1; minus strand), LOC102724058 (uncharacterized LOC102724058; plus strand). Cytogenetic location: 2q24.3.
Variant type: Deletion.
Coding change: c.4539del on transcript NM_001165963.4 (MANE Select); coding-DNA position 4539, one base deleted (A; older notation c.4539delA).
Protein change: p.Lys1513fs; shifts the reading frame from lysine 1513.
Molecular consequence: frameshift variant. On other transcripts: non-coding transcript variant (1).
Genome position (GRCh38, 1-based): chr2:165,996,055, T deleted on the plus strand (A on the coding strand, the reverse complement: SCN1A is on the minus strand); the first of 6 consecutive T bases (chr2:165,996,055-165,996,060); deleting any one gives the same sequence. VCF-style (leftmost placement, unchanged base first): chr2-165996054-AT-A. GRCh37 (hg19) VCF-style: chr2-166852564-AT-A.
Other names: c.4455del, p.Lys1485fs (NM_001165964.3, NM_001353957.2, NM_001353958.2); c.4539del, p.Lys1513fs (NM_001202435.3, NM_001353948.2); c.4506del, p.Lys1502fs (NM_001353949.2, NM_001353950.2, NM_001353951.2 and 2 more transcripts); c.4503del, p.Lys1501fs (NM_001353954.2, NM_001353955.2); c.4452del, p.Lys1484fs (NM_001353960.2); c.2097del, p.Lys699fs (NM_001353961.2); short protein forms K1484fs, K1485fs, K1501fs, K1502fs, K1513fs, K699fs.
Identifiers: ClinVar variation 3338837 (VCV003338837.2).